The following is an entry in ClinVar:

NM_052867.4(NALCN):c.4457C>G (p.Pro1486Arg)

Gene: NALCN (sodium leak channel, non-selective; minus strand). Cytogenetic location: 13q32.3.
Variant type: single nucleotide variant.
Coding change: c.4457C>G on transcript NM_052867.4 (MANE Select); coding-DNA position 4457, C replaced by G.
Protein change: p.Pro1486Arg; replaces proline 1486 with arginine.
Molecular consequence: missense variant.
Genome position (GRCh38, 1-based): chr13:101,065,551, G>C on the plus strand (C>G on the coding strand, the complement: NALCN is on the minus strand). VCF-style: chr13-101065551-G-C. GRCh37 (hg19) VCF-style: chr13-101717903-G-C.
Other names: c.4544C>G, p.Pro1515Arg (NM_001350748.2); c.4457C>G, p.Pro1486Arg (NM_001350749.2); c.4370C>G, p.Pro1457Arg (NM_001350750.2, NM_001350751.2); short protein forms P1457R, P1486R, P1515R.
Identifiers: ClinVar variation 1314260 (VCV001314260.2), dbSNP rs774852653, ClinGen allele CA388645595.
Genomic context (GRCh38, chr13:101,065,551, plus strand): 5'-TCCAGGTCCACCTCCAGCCTCCCACGCAGTAGCCGCAGCAGGAACTTGACGCGGAACGTG[G>C]GGATCACCCCCTGCGGGGCAGAGCACAAGAAGTAGCAAATCATCAGGCCTCGATGATTCA-3'
Protein context (NP_443099.1, residues 1476-1496): MVDDKREGVI[Pro1486Arg]TFRVKFLLRL

ClinVar aggregate classification (germline): Uncertain significance (1 of 4 stars; one submission).

gnomAD v4.1: 3 of 1,614,000 alleles (0.00019%); highest among the groups gnomAD compares: Non-Finnish European, 0.00025%; no homozygotes.

Submission:

GeneDx
Classification: Uncertain significance. Last evaluated: 2021-04-06. Review status: criteria provided, single submitter. Criteria: GeneDx Variant Classification Process June 2021. Collection method: clinical testing. Allele origin: germline. Affected: yes.
Comment: Not observed in large population cohorts (Lek et al., 2016); In silico analysis supports that this missense variant has a deleterious effect on protein structure/function; Has not been previously published as pathogenic or benign to our knowledge